The following is an entry in ClinVar:

ClinVar aggregate classification (germline): Conflicting classifications of pathogenicity. Review status: criteria provided, conflicting classifications (1 of 4 stars). 11 submissions from 11 submitters: Uncertain significance (6); Benign (1); Likely benign (3). 1 of the submissions does not count toward it. Last evaluated 2026-05-26.

Conditions:
VPS13B-related disorder. Also called: VPS13B-related condition.
Inborn genetic diseases. Identifiers: MedGen C0950123, MeSH D030342.
Cohen syndrome (COH1). Also called: PEPPER SYNDROME; Cutis verticis gyrata, retinitis pigmentosa, and sensorineural deafness. Identifiers: Orphanet 193, MedGen C0265223, MONDO:0008999, OMIM 216550.

Allele frequency attached by ClinVar (database versions not stated): gnomAD exomes 0.00017 and 0.00014; TOPMed 0.00023; gnomAD 0.00025 and 0.00027; ESP Exome Variant Server 0.00046; 1000 Genomes Project 30x 0.00016; 1000 Genomes Project 0.00020; ExAC 0.00021.
gnomAD v4.1: 238 of 1,613,974 alleles (0.015%); highest among the groups gnomAD compares: Middle Eastern, 0.066%; no homozygotes.

Submissions (11):

PreventionGenetics, part of Exact Sciences
Classification: Uncertain significance for VPS13B-related condition. Last evaluated: 2026-05-26. Review status: criteria provided, single submitter. Criteria: ACMG Guidelines, 2015. Collection method: clinical testing. Allele origin: germline.
Comment: The VPS13B c.7366G>A variant is predicted to result in the amino acid substitution p.Val2456Ile. This variant, which is referred to as c.7441G>A (p.Val2481Ile) on an alternative transcript (NM_017890), has been reported in the homozygous state in an individual with severe intellectual disability (Table S9, de Ligt et al. 2012. PubMed ID: 23033978). However, several other homozygous variants in other genes were identified in this individual and it is not clear if this variant was contributing to the phenotypes. Additionally, this variant is reported in 0.036% of alleles in individuals of African descent in gnomAD, which may be too frequent to be a primary cause of disease. Although we suspect that this variant may be benign, at this time, the clinical significance of this variant is uncertain due to the absence of conclusive functional and genetic evidence.

Labcorp Genetics (formerly Invitae), Labcorp
Classification: Likely benign for Cohen syndrome. Last evaluated: 2026-01-24. Review status: criteria provided, single submitter. Criteria: Invitae Variant Classification Sherloc (09022015). Collection method: clinical testing. Allele origin: germline.

Blueprint Genetics
Classification: Likely benign. Last evaluated: 2024-11-18. Review status: criteria provided, single submitter. Criteria: ACMG Guidelines, 2015. Collection method: clinical testing. Allele origin: germline.

Fulgent Genetics
Classification: Uncertain significance for Cohen syndrome. Last evaluated: 2024-05-28. Review status: criteria provided, single submitter. Criteria: ACMG Guidelines, 2015. Collection method: clinical testing. Allele origin: germline.

GeneDx
Classification: Uncertain significance. Last evaluated: 2024-02-13. Review status: criteria provided, single submitter. Criteria: GeneDx Variant Classification Process June 2021. Collection method: clinical testing. Allele origin: germline. Affected: yes.
Comment: In silico analysis supports that this missense variant does not alter protein structure/function; This variant is associated with the following publications: (PMID: 23033978, 35690661)

Women's Health and Genetics/Laboratory Corporation of America, LabCorp
Classification: Uncertain significance. Last evaluated: 2022-03-02. Review status: criteria provided, single submitter. Criteria: LabCorp Variant Classification Summary - May 2015. Collection method: clinical testing. Allele origin: germline.
Comment: Variant summary: VPS13B c.7441G>A (p.Val2481Ile) results in a conservative amino acid change in the encoded protein sequence. Five of five in-silico tools predict a benign effect of the variant on protein function. The variant allele was found at a frequency of 0.00017 in 251362 control chromosomes. This frequency is not significantly higher than expected for a pathogenic variant in VPS13B causing Cohen Syndrome (0.00017 vs 0.0025), allowing no conclusion about variant significance. c.7441G>A has been reported in the literature as a homozygous genotype in an individual who underwent diagnostic exome sequencing for severe intellectual disability (example, de Ligt_2012). These report(s) do not provide unequivocal conclusions about association of the variant with Cohen Syndrome. To our knowledge, no experimental evidence demonstrating an impact on protein function has been reported. Three clinical diagnostic laboratories have submitted clinical-significance assessments for this variant to ClinVar after 2014 without evidence for independent evaluation. Based on the evidence outlined above, the variant was classified as uncertain significance.

Mendelics
Classification: Benign for Cohen syndrome. Last evaluated: 2019-05-28. Review status: criteria provided, single submitter. Criteria: Mendelics Assertion Criteria 2017. Collection method: clinical testing. Allele origin: unknown.

Illumina Laboratory Services, Illumina
Classification: Uncertain significance for Cohen syndrome. Last evaluated: 2018-01-13. Review status: criteria provided, single submitter. Criteria: ICSL Variant Classification Criteria 13 December 2019. Collection method: clinical testing. Allele origin: germline.

Ambry Genetics
Classification: Likely benign for Inborn genetic diseases. Last evaluated: 2017-06-15. Review status: criteria provided, single submitter. Criteria: Ambry Variant Classification Scheme 2023. Collection method: clinical testing. Allele origin: germline.

Eurofins Ntd Llc (ga)
Classification: Uncertain significance. Last evaluated: 2013-08-08. Review status: criteria provided, single submitter. Criteria: EGL Classification Definitions 2015. Collection method: clinical testing. Allele origin: germline. Observed: 1 variant allele, 1 heterozygote.

Counsyl
Classification: Likely benign for Cohen syndrome. Last evaluated: 2014-03-14. Review status: no assertion criteria provided. Collection method: literature only. Allele origin: unknown. Inheritance: Autosomal recessive inheritance. Not counted in ClinVar's aggregate classification.

Literature cited by the submitters: PubMed 23033978 (cited by 4 submitters).

NM_152564.5(VPS13B):c.7366G>A (p.Val2456Ile)

Gene: VPS13B (vacuolar protein sorting 13 homolog B; plus strand). Cytogenetic location: 8q22.2.
Variant type: single nucleotide variant.
Coding change: c.7366G>A on transcript NM_152564.5 (MANE Select); coding-DNA position 7366, G replaced by A.
Protein change: p.Val2456Ile; replaces valine 2456 with isoleucine.
Molecular consequence: missense variant.
Genome position (GRCh38, 1-based): chr8:99,776,893, G>A. VCF-style: chr8-99776893-G-A. GRCh37 (hg19) VCF-style: chr8-100789121-G-A.
Other names: c.7366G>A (NM_152564.4); c.7441G>A, p.Val2481Ile (NM_017890.5); short protein forms V2456I.
Identifiers: ClinVar variation 95865 (VCV000095865.27), dbSNP rs201963516, ClinGen allele CA223484.